The following is an entry in ClinVar:

ClinVar aggregate classification (germline): Uncertain significance. Review status: criteria provided, multiple submitters, no conflicts (2 of 4 stars). 6 submissions from 6 submitters: Uncertain significance (5). 1 of the submissions does not count toward it. Last evaluated 2026-09-03.

Conditions:
CDH23-related disorder. Also called: CDH23-related disorders; CDH23-related condition.
Usher syndrome type 1 (USH1). Also called: RETINITIS PIGMENTOSA AND CONGENITAL DEAFNESS. Identifiers: Orphanet 231169, Orphanet 886, MedGen C1568247, MONDO:0010168, OMIM 276900.
Inborn genetic diseases. Identifiers: MedGen C0950123, MeSH D030342.

Allele frequency attached by ClinVar (database versions not stated): gnomAD exomes 0.00005 and 0.00017; TOPMed 0.00009; ExAC 0.00022; gnomAD 0.00004.
gnomAD v4.1: 76 of 1,613,514 alleles (0.0047%); highest among the groups gnomAD compares: Admixed American, 0.042%; no homozygotes.

Submissions (6):

PreventionGenetics, part of Exact Sciences
Classification: Uncertain significance for CDH23-related condition. Last evaluated: 2026-09-03. Review status: criteria provided, single submitter. Criteria: ACMG Guidelines, 2015. Collection method: clinical testing. Allele origin: germline.
Comment: The CDH23 c.6139G>A variant is predicted to result in the amino acid substitution p.Gly2047Arg. This variant was reported along with second variant in an individual with Retinal dystrophy (Table S3, Mihalich et al. 2024. PubMed ID: 38927702). This variant is reported in 0.061% of alleles in individuals of Latino descent in gnomAD. Although we suspect that this variant may be benign, at this time, the clinical significance of this variant is uncertain due to the absence of conclusive functional and genetic evidence.

Ambry Genetics
Classification: Uncertain significance for Inborn genetic diseases. Last evaluated: 2025-03-30. Review status: criteria provided, single submitter. Criteria: Ambry Variant Classification Scheme 2023. Collection method: clinical testing. Allele origin: germline.

Labcorp Genetics (formerly Invitae), Labcorp
Classification: Uncertain significance. Last evaluated: 2024-11-25. Review status: criteria provided, single submitter. Criteria: Invitae Variant Classification Sherloc (09022015). Collection method: clinical testing. Allele origin: germline.
Comment: This sequence change replaces glycine, which is neutral and non-polar, with arginine, which is basic and polar, at codon 2047 of the CDH23 protein (p.Gly2047Arg). This variant is present in population databases (rs750815841, gnomAD 0.06%). This variant has not been reported in the literature in individuals affected with CDH23-related conditions. ClinVar contains an entry for this variant (Variation ID: 1056296). Invitae Evidence Modeling of protein sequence and biophysical properties (such as structural, functional, and spatial information, amino acid conservation, physicochemical variation, residue mobility, and thermodynamic stability) has been performed for this missense variant. However, the output from this modeling did not meet the statistical confidence thresholds required to predict the impact of this variant on CDH23 protein function. In summary, the available evidence is currently insufficient to determine the role of this variant in disease. Therefore, it has been classified as a Variant of Uncertain Significance.

Blueprint Genetics
Classification: Uncertain significance. Last evaluated: 2023-08-22. Review status: criteria provided, single submitter. Criteria: ACMG Guidelines, 2015. Collection method: clinical testing. Allele origin: germline.

GeneDx
Classification: Uncertain significance. Last evaluated: 2023-07-18. Review status: criteria provided, single submitter. Criteria: GeneDx Variant Classification Process June 2021. Collection method: clinical testing. Allele origin: germline. Affected: yes.
Comment: In silico analysis supports that this missense variant has a deleterious effect on protein structure/function; Has not been previously published as pathogenic or benign to our knowledge

Natera, Inc.
Classification: Uncertain significance for Usher syndrome type 1. Last evaluated: 2020-02-21. Review status: no assertion criteria provided. Collection method: clinical testing. Allele origin: germline. Not counted in ClinVar's aggregate classification.

NM_022124.6(CDH23):c.6139G>A (p.Gly2047Arg)

Gene: CDH23 (cadherin related 23; plus strand). Cytogenetic location: 10q22.1.
Variant type: single nucleotide variant.
Coding change: c.6139G>A on transcript NM_022124.6 (MANE Select); coding-DNA position 6139, G replaced by A.
Protein change: p.Gly2047Arg; replaces glycine 2047 with arginine.
Molecular consequence: missense variant.
Genome position (GRCh38, 1-based): chr10:71,791,221, G>A. VCF-style: chr10-71791221-G-A. GRCh37 (hg19) VCF-style: chr10-73550978-G-A.
Other names: short protein forms G2047R.
Identifiers: ClinVar variation 1056296 (VCV001056296.12), dbSNP rs750815841, ClinGen allele CA5546010.